The following is an entry in ClinVar:

NM_000552.5(VWF):c.2516del (p.Gly839fs)

Gene: VWF (von Willebrand factor; minus strand). Cytogenetic location: 12p13.31.
Variant type: Deletion.
Coding change: c.2516del on transcript NM_000552.5 (MANE Select); coding-DNA position 2516, one base deleted (G; older notation c.2516delG).
Protein change: p.Gly839fs; shifts the reading frame from glycine 839.
Molecular consequence: frameshift variant.
Genome position (GRCh38, 1-based): chr12:6,036,418, C deleted on the plus strand (G on the coding strand, the reverse complement: VWF is on the minus strand); the first of 2 consecutive C bases (chr12:6,036,418-6,036,419); deleting either gives the same sequence. VCF-style (leftmost placement, unchanged base first): chr12-6036417-TC-T. GRCh37 (hg19) VCF-style: chr12-6145583-TC-T.
Other names: c.2516delG (NM_000552.3, NM_000552.5); short protein forms G839fs.
Identifiers: ClinVar variation 100225 (VCV000100225.9), dbSNP rs61748481, ClinGen allele CA228347.

ClinVar aggregate classification (germline): Pathogenic/Likely pathogenic. Review status: criteria provided, multiple submitters, no conflicts (2 of 4 stars). 6 submissions from 6 submitters: Pathogenic (2); Likely pathogenic (1). 3 of the submissions do not count toward it. Last evaluated 2025-09-18.

Conditions:
von Willebrand disorder (VWD). Also called: von Willebrand's disease; Von Willebrand disease (hereditary or acquired); von Willebrand Diseases. Identifiers: MedGen C0042974, MeSH D014842, MONDO:0024574.
Thrombocytopenia. Identifiers: MedGen C0040034, MeSH D013921, MONDO:0002049, HP:0001873.
Abnormal bleeding. Also called: Bleeding diathesis. Identifiers: MedGen C1458140, HP:0001892.
von Willebrand disease type 3 (VWD3). Also called: Type 3 Von Willebrand's disease; Type 3 VWD; Von Willebrand disease, severe form; V WD3; VON WILLEBRAND DISEASE, TYPE III. Identifiers: Orphanet 166096, MedGen C1264041, MONDO:0010191, OMIM 277480.

Submissions (6):

Women's Health and Genetics/Laboratory Corporation of America, LabCorp
Classification: Pathogenic for von Willebrand disorder. Last evaluated: 2025-09-18. Review status: criteria provided, single submitter. Criteria: LabCorp Variant Classification Summary - May 2015. Collection method: clinical testing. Allele origin: germline.
Comment: Variant summary: VWF c.2516delG (p.Gly839GlufsX4) results in a premature termination codon, predicted to cause a truncation of the encoded protein or absence of the protein due to nonsense mediated decay, which are commonly known mechanisms for disease. The variant allele was found at a frequency of 8e-06 in 251478 control chromosomes. c.2516delG has been observed in individual(s) affected with Von Willebrand Disease (e.g. Kroner_1996, Sadler_2021). These data indicate that the variant may be associated with disease. To our knowledge, no experimental evidence demonstrating an impact on protein function has been reported. The following publications have been ascertained in the context of this evaluation (PMID: 8562925, 33556167). ClinVar contains an entry for this variant (Variation ID: 100225). Based on the evidence outlined above, the variant was classified as pathogenic.

ARUP Laboratories, Molecular Genetics and Genomics, ARUP Laboratories
Classification: Pathogenic. Last evaluated: 2025-03-31. Review status: criteria provided, single submitter. Criteria: ARUP Molecular Germline Variant Investigation Process 2024. Collection method: clinical testing. Allele origin: germline.
Comment: The VWF c.2516del; p.Gly839Glufs*4variant (rs61748481), is reported in the literature in multiple unrelated individuals affected with von Willebrand disease (Almanzni 2020, Sadler 2021, Stefanucci 2023). This variant is only observed on three allele in the Genome Aggregation Database (v2.1.1), indicating it is not a common polymorphism. This variant causes a frameshift by deleting a single nucleotide, so it is predicted to result in a truncated protein or mRNA subject to nonsense-mediated decay. Additionally, another variant at this codon (c.2515del; p.Gly839Glufs*4) has been reported in an individual with von Willebrand disease and is considered pathogenic (Kroner 1996). Based on available information, this variant is considered to be pathogenic. References: Almazni, et al. A comprehensive bioinformatic analysis of 126 patients with an inherited platelet disorder to identify both sequence and copy number genetic variants. Hum Mutat. 2020 Nov;41(11):1848-1865. PMID: 32935436. Kroner, et al. The defective interaction between von Willebrand factor and factor VIII in a patient with type 1 von Willebrand disease is caused by substitution of Arg19 and His54 in mature von Willebrand factor. Blood. 1996 Feb 1;87(3):1013-21. PMID: 8562925. Sadler, et al. von Willebrand factor antigen levels are associated with burden of rare nonsynonymous variants in the VWF gene. Blood. 2021 Jun 10;137(23):3277-3283. PMID: 33556167. Stefanucci, et al. The effects of pathogenic and likely pathogenic variants for inherited hemostasis disorders in 140?214 UK Biobank participants. Blood. 2023 Dec 14;142(24):2055-2068. PMID: 37647632.

NIHR Bioresource Rare Diseases, University of Cambridge
Classification: Likely pathogenic for von Willebrand disease type 3. Last evaluated: 2019-02-01. Review status: criteria provided, single submitter. Criteria: ACMG Guidelines, 2015. Collection method: research. Allele origin: unknown. Affected: yes. Observed: 1 compound heterozygote. Study: ThromboGenomics.

Angelo Bianchi Bonomi Hemophilia and Thrombosis Center, Fondazione IRCCS Ca Granda Ospedale Maggiore Policlinico
Classification: Pathogenic for von Willebrand disease type 3. Last evaluated: 2021-04-12. Review status: no assertion criteria provided. Collection method: clinical testing. Allele origin: germline. Affected: yes. Study: Type 3 Von Willebrand International Registries Inhibitor Prospective Study (3WINTERS-IPS). Not counted in ClinVar's aggregate classification.

Birmingham Platelet Group; University of Birmingham
Classification: Pathogenic for Thrombocytopenia; Abnormal bleeding. Last evaluated: 2020-05-01. Review status: no assertion criteria provided. Collection method: research. Allele origin: germline. Affected: yes. Not counted in ClinVar's aggregate classification.

Academic Unit of Haematology, University of Sheffield
No classification provided. Review status: no classification provided. Collection method: not provided. Allele origin: not provided. Not counted in ClinVar's aggregate classification.

Literature cited by the submitters: PubMed 33556167 (cited by Women's Health and Genetics/Laboratory Corporation of America, LabCorp); PubMed 8562925 (cited by Women's Health and Genetics/Laboratory Corporation of America, LabCorp); PubMed 31064749 (cited by NIHR Bioresource Rare Diseases, University of Cambridge).